The following is an entry in ClinVar:

NM_005149.3(TBX19):c.666-2A>T

Gene: TBX19 (T-box transcription factor 19; plus strand). Cytogenetic location: 1q24.2.
Variant type: single nucleotide variant.
Coding change: c.666-2A>T on transcript NM_005149.3 (MANE Select); the canonical splice acceptor site of the intron before coding-DNA position 666, A replaced by T.
Molecular consequence: splice acceptor variant.
Genome position (GRCh38, 1-based): chr1:168,300,420, A>T. VCF-style: chr1-168300420-A-T. GRCh37 (hg19) VCF-style: chr1-168269658-A-T.
Identifiers: ClinVar variation 2500768 (VCV002500768.2), dbSNP rs1558193255, ClinGen allele CA343195093.

ClinVar aggregate classification (germline): Likely pathogenic (1 of 4 stars; one submission).

Conditions:
Congenital isolated adrenocorticotropic hormone deficiency. Also called: ACTH DEFICIENCY, ISOLATED; ACTH deficiency; Adrenocorticotropic hormone deficiency. Identifiers: Orphanet 199296, MedGen C0342388, MONDO:0008720, OMIM 201400, HP:0011748.

Submission:

Victorian Clinical Genetics Services, Murdoch Childrens Research Institute
Classification: Likely pathogenic for Congenital isolated adrenocorticotropic hormone deficiency. Last evaluated: 2022-02-02. Review status: criteria provided, single submitter. Criteria: ACMG Guidelines, 2015. Collection method: clinical testing. Allele origin: germline. Inheritance: Autosomal recessive inheritance. Affected: yes.
Comment: Based on the classification scheme VCGS_Germline_v1.3.4, this variant is classified as Likely Pathogenic. Following criteria are met: 0102 - Loss of function is a known mechanism of disease in this gene and is associated with adrenocorticotropic hormone deficiency (MIM#201400). (I) 0106 - This gene is associated with autosomal recessive disease. (I) 0211 - Canonical splice site variant without proven consequence on splicing (no functional evidence available). (SP) 0252 - This variant is homozygous. (I) 0301 - Variant is absent from gnomAD (both v2 and v3). (SP) 0311 - An alternative nucleotide change at the same canonical splice site is present in gnomAD (v2 and v3) (1 heterozygote, 0 homozygotes). (SB) 0505 - Abnormal splicing is predicted by in silico tools and affected nucleotide is highly conserved. (SP) 0705 - No comparable canonical splice site variants have previous evidence for pathogenicity. (I) 0807 - This variant has no previous evidence of pathogenicity. (I) 0905 - No published segregation evidence has been identified for this variant. (I) 1005 - Clinically accredited laboratory assay specific to gene product shows abnormal protein function. (SP) 1102 - Strong phenotype match for this individual. (I) Legend: (SP) - Supporting pathogenic, (I) - Information, (SB) - Supporting benign